The following is an entry in ClinVar:

NM_002972.4(SBF1):c.2967+17G>A

Gene: SBF1 (SET binding factor 1; minus strand). Cytogenetic location: 22q13.33.
Variant type: single nucleotide variant.
Coding change: c.2967+17G>A on transcript NM_002972.4 (MANE Select); 17 bases into the intron after coding-DNA position 2967, G replaced by A.
Molecular consequence: intron variant.
Genome position (GRCh38, 1-based): chr22:50,461,142, C>T on the plus strand (G>A on the coding strand, the complement: SBF1 is on the minus strand). VCF-style: chr22-50461142-C-T. GRCh37 (hg19) VCF-style: chr22-50899571-C-T.
Other names: c.2970+17G>A (NM_001365819.1).
Identifiers: ClinVar variation 1489591 (VCV001489591.3), dbSNP rs376483485, ClinGen allele CA10316957.

ClinVar aggregate classification (germline): Uncertain significance (1 of 4 stars; one submission).

Allele frequency attached by ClinVar (database versions not stated): ExAC 0.00002; gnomAD exomes 0.00002; ESP Exome Variant Server 0.00008.
gnomAD v4.1: 38 of 1,581,804 alleles (0.0024%); highest among the groups gnomAD compares: Non-Finnish European, 0.0029%; no homozygotes.

Submission:

Labcorp Genetics (formerly Invitae), Labcorp
Classification: Uncertain significance. Last evaluated: 2021-10-29. Review status: criteria provided, single submitter. Criteria: Invitae Variant Classification Sherloc (09022015). Collection method: clinical testing. Allele origin: germline.
Comment: This sequence change falls in intron 23 of the SBF1 gene. It does not directly change the encoded amino acid sequence of the SBF1 protein. This variant is present in population databases (rs376483485, gnomAD 0.005%). This variant has not been reported in the literature in individuals affected with SBF1-related conditions. Algorithms developed to predict the effect of sequence changes on RNA splicing suggest that this variant may create or strengthen a splice site. In summary, the available evidence is currently insufficient to determine the role of this variant in disease. Therefore, it has been classified as a Variant of Uncertain Significance.